The following is an entry in ClinVar:

NM_000051.4(ATM):c.2925T>A (p.Asn975Lys)

Gene: ATM (ATM serine/threonine kinase; plus strand). Cytogenetic location: 11q22.3.
Variant type: single nucleotide variant.
Coding change: c.2925T>A on transcript NM_000051.4 (MANE Select); coding-DNA position 2925, T replaced by A.
Protein change: p.Asn975Lys; replaces asparagine 975 with lysine.
Molecular consequence: missense variant.
Genome position (GRCh38, 1-based): chr11:108,271,254, T>A. VCF-style: chr11-108271254-T-A. GRCh37 (hg19) VCF-style: chr11-108141981-T-A.
Other names: c.2925T>A, p.Asn975Lys (NM_001351834.2); short protein forms N975K.
Identifiers: ClinVar variation 481311 (VCV000481311.8), dbSNP rs765848319, ClinGen allele CA382547080.

ClinVar aggregate classification (germline): Uncertain significance. Review status: criteria provided, multiple submitters, no conflicts (2 of 4 stars). 2 submissions from 2 submitters: Uncertain significance (2). Last evaluated 2023-03-09.

Conditions:
Hereditary cancer-predisposing syndrome. Also called: Hereditary neoplastic syndrome; Neoplastic Syndromes, Hereditary; Tumor predisposition; Hereditary Cancer Syndrome. Identifiers: Orphanet 140162, MedGen C0027672, MeSH D009386, MONDO:0015356.
Ataxia-telangiectasia syndrome (AT). Also called: LOUIS-BAR SYNDROME; Cerebello-oculocutaneous telangiectasia; Immunodeficiency with ataxia telangiectasia; AT, COMPLEMENTATION GROUP C; Ataxia-telangiectasia, complementation group D; ATAXIA-TELANGIECTASIA, COMPLEMENTATION GROUP A. Identifiers: Orphanet 100, MedGen C0004135, MONDO:0008840, OMIM 208900.

Submissions (2):

Labcorp Genetics (formerly Invitae), Labcorp
Classification: Uncertain significance for Ataxia-telangiectasia syndrome. Last evaluated: 2023-03-09. Review status: criteria provided, single submitter. Criteria: Invitae Variant Classification Sherloc (09022015). Collection method: clinical testing. Allele origin: germline.
Comment: ClinVar contains an entry for this variant (Variation ID: 481311). This sequence change replaces asparagine, which is neutral and polar, with lysine, which is basic and polar, at codon 975 of the ATM protein (p.Asn975Lys). This variant is not present in population databases (gnomAD no frequency). This variant has not been reported in the literature in individuals affected with ATM-related conditions. Algorithms developed to predict the effect of missense changes on protein structure and function output the following: SIFT: "Not Available"; PolyPhen-2: "Benign"; Align-GVGD: "Not Available". The lysine amino acid residue is found in multiple mammalian species, which suggests that this missense change does not adversely affect protein function. In summary, the available evidence is currently insufficient to determine the role of this variant in disease. Therefore, it has been classified as a Variant of Uncertain Significance.

Ambry Genetics
Classification: Uncertain significance for Hereditary cancer-predisposing syndrome. Last evaluated: 2016-11-18. Review status: criteria provided, single submitter. Criteria: Ambry Variant Classification Scheme 2023. Collection method: clinical testing. Allele origin: germline.
Comment: The p.N975K variant (also known as c.2925T>A), located in coding exon 19 of the ATM gene, results from a T to A substitution at nucleotide position 2925. The asparagine at codon 975 is replaced by lysine, an amino acid with similar properties. This variant was not reported in population based cohorts in the following databases: Database of Single Nucleotide Polymorphisms (dbSNP), NHLBI Exome Sequencing Project (ESP), and 1000 Genomes Project. In the ESP, this variant was not observed in 6499 samples (12998 alleles) with coverage at this position. To date, this alteration has been detected with an allele frequency of approximately 0.001% (greater than 180000 alleles tested) in our clinical cohort. This amino acid position is not well conserved in available vertebrate species. In addition, this alteration is predicted to be tolerated by in silico analysis. Since supporting evidence is limited at this time, the clinical significance of this alteration remains unclear.